The following is an entry in ClinVar:

NM_030665.4(RAI1):c.1370C>T (p.Ala457Val)

Gene: RAI1 (retinoic acid induced 1; plus strand). Cytogenetic location: 17p11.2.
Variant type: single nucleotide variant.
Coding change: c.1370C>T on transcript NM_030665.4 (MANE Select); coding-DNA position 1370, C replaced by T.
Protein change: p.Ala457Val; replaces alanine 457 with valine.
Molecular consequence: missense variant.
Genome position (GRCh38, 1-based): chr17:17,794,318, C>T. VCF-style: chr17-17794318-C-T. GRCh37 (hg19) VCF-style: chr17-17697632-C-T.
Other names: short protein forms A457V.
Identifiers: ClinVar variation 2918691 (VCV002918691.3), dbSNP rs2032145952, ClinGen allele CA398547677.
Genomic context (GRCh38, chr17:17,794,318, plus strand): 5'-CGCTGACCTCACAGGTGGAGAACATCTCCAACACCGTCCAGCAGCTGCTGCTCTCCAAGG[C>T]TGCTGTGCCGCAGAAGAAAGGTGTCAAGAACCTCGTGTCCAGGACCCCAGAGCAGCATAA-3'
Protein context (NP_109590.3, residues 447-467): NTVQQLLLSK[Ala457Val]AVPQKKGVKN

ClinVar aggregate classification (germline): Uncertain significance (1 of 4 stars; one submission).

Allele frequency attached by ClinVar (database versions not stated): TOPMed below 0.00001.

Submission:

Labcorp Genetics (formerly Invitae), Labcorp
Classification: Uncertain significance. Last evaluated: 2025-12-17. Review status: criteria provided, single submitter. Criteria: Invitae Variant Classification Sherloc (09022015). Collection method: clinical testing. Allele origin: germline.
Comment: This sequence change replaces alanine, which is neutral and non-polar, with valine, which is neutral and non-polar, at codon 457 of the RAI1 protein (p.Ala457Val). This variant is not present in population databases (gnomAD no frequency). This variant has not been reported in the literature in individuals affected with RAI1-related conditions. ClinVar contains an entry for this variant (Variation ID: 2918691). Invitae Evidence Modeling of protein sequence and biophysical properties (such as structural, functional, and spatial information, amino acid conservation, physicochemical variation, residue mobility, and thermodynamic stability) indicates that this missense variant is not expected to disrupt RAI1 protein function with a negative predictive value of 80%. In summary, the available evidence is currently insufficient to determine the role of this variant in disease. Therefore, it has been classified as a Variant of Uncertain Significance.